The following is an entry in ClinVar:

NM_006060.6(IKZF1):c.983G>T (p.Arg328Leu)

Gene: IKZF1 (IKAROS family zinc finger 1; plus strand). Cytogenetic location: 7p12.2.
Variant type: single nucleotide variant.
Coding change: c.983G>T on transcript NM_006060.6 (MANE Select); coding-DNA position 983, G replaced by T.
Protein change: p.Arg328Leu; replaces arginine 328 with leucine.
Molecular consequence: missense variant.
Genome position (GRCh38, 1-based): chr7:50,400,050, G>T. VCF-style: chr7-50400050-G-T. GRCh37 (hg19) VCF-style: chr7-50467748-G-T.
Other names: c.857G>T, p.Arg286Leu (NM_001220765.3, NM_001291837.2); c.692G>T, p.Arg231Leu (NM_001220767.2); c.722G>T, p.Arg241Leu (NM_001220768.2, NM_001291838.2); c.566G>T, p.Arg189Leu (NM_001220770.2); c.554G>T, p.Arg185Leu (NM_001220771.2, NM_001291841.1); c.596G>T, p.Arg199Leu (NM_001291839.2); c.293G>T, p.Arg98Leu (NM_001291840.1); c.524G>T, p.Arg175Leu (NM_001291842.1); and 3 more; short protein forms R133L, R143L, R175L, R185L, R189L, R199L, R231L, R241L.
Identifiers: ClinVar variation 3602669 (VCV003602669.1).

ClinVar aggregate classification (germline): Uncertain significance (1 of 4 stars; one submission).

Conditions:
Acute lymphoid leukemia (ALL). Also called: Acute lymphoblastic leukemia; Acute lymphocytic leukemia; Leukemia, acute lymphoblastic, somatic; Lymphoblastic leukemia. Identifiers: Orphanet 513, MedGen C0023449, MONDO:0004967, OMIM 613065, HP:0006721.

gnomAD v4.1: 10 of 1,607,384 alleles (0.00062%); highest among the groups gnomAD compares: Non-Finnish European, 0.00085%; no homozygotes.

Submission:

St. Jude Molecular Pathology, St. Jude Children's Research Hospital
Classification: Uncertain significance for Acute lymphoid leukemia. Last evaluated: 2025-02-05. Review status: criteria provided, single submitter. Criteria: St. Jude Assertion Criteria 2020. Collection method: clinical testing. Allele origin: germline.
Comment: The IKZF1 c.983G>T (p.Arg328Leu) missense change has a maximum subpopulation frequency of 0.002% in gnomAD v2.1.1. The in silico tool REVEL is inconclusive about a pathogenic or benign effect of this variant on protein function, and functional studies have not been performed. This variant occurs in a gene where missense variants are more likely to be damaging based on methods described by Lek et al. (PMID: 27535533). This variant has not been reported in individuals with acute lymphoblastic leukemia or immunodeficiency. In summary, the evidence currently available is insufficient to determine the clinical significance of this variant. It has therefore been classified as of uncertain significance.